The following is an entry in ClinVar:

NM_000081.4(LYST):c.3114A>T (p.Leu1038Phe)

Gene: LYST (lysosomal trafficking regulator; minus strand). Cytogenetic location: 1q42.3.
Variant type: single nucleotide variant.
Coding change: c.3114A>T on transcript NM_000081.4 (MANE Select); coding-DNA position 3114, A replaced by T.
Protein change: p.Leu1038Phe; replaces leucine 1038 with phenylalanine.
Molecular consequence: missense variant.
Genome position (GRCh38, 1-based): chr1:235,806,022, T>A on the plus strand (A>T on the coding strand, the complement: LYST is on the minus strand). VCF-style: chr1-235806022-T-A. GRCh37 (hg19) VCF-style: chr1-235969322-T-A.
Other names: c.3114A>T, p.Leu1038Phe (NM_001301365.1); short protein forms L1038F.
Identifiers: ClinVar variation 2120975 (VCV002120975.3), dbSNP rs2527073734, ClinGen allele CA344953411.
Genomic context (GRCh38, chr1:235,806,022, plus strand): 5'-ACTCTTTTTTAGACTACCTAGTTCTGATGGTATGGGGTCACTTTTTATAGCCAAAGATAA[T>A]AAATCTTCCTTCATAGTTCTCTTAGGTTGAGAAATTCTGTTTAAATCCTGGTTTTCATTT-3'
Protein context (NP_000072.2, residues 1028-1048): SQPKRTMKED[Leu1038Phe]LSLAIKSDPI

ClinVar aggregate classification (germline): Uncertain significance (1 of 4 stars; one submission).

Conditions:
Chédiak-Higashi syndrome (CHS). Also called: Chediak-Higashi Syndrome. Identifiers: Orphanet 167, MedGen C0007965, MONDO:0008963, OMIM 214500.

Submission:

Labcorp Genetics (formerly Invitae), Labcorp
Classification: Uncertain significance for Chédiak-Higashi syndrome. Last evaluated: 2024-10-24. Review status: criteria provided, single submitter. Criteria: Invitae Variant Classification Sherloc (09022015). Collection method: clinical testing. Allele origin: germline.
Comment: This sequence change replaces leucine, which is neutral and non-polar, with phenylalanine, which is neutral and non-polar, at codon 1038 of the LYST protein (p.Leu1038Phe). This variant is not present in population databases (gnomAD no frequency). This variant has not been reported in the literature in individuals affected with LYST-related conditions. ClinVar contains an entry for this variant (Variation ID: 2120975). An algorithm developed to predict the effect of missense changes on protein structure and function (PolyPhen-2) suggests that this variant¬†is likely to be tolerated. In summary, the available evidence is currently insufficient to determine the role of this variant in disease. Therefore, it has been classified as a Variant of Uncertain Significance.